The following is an entry in ClinVar:

ClinVar aggregate classification (germline): Uncertain significance. Review status: criteria provided, multiple submitters, no conflicts (2 of 4 stars). 2 submissions from 2 submitters: Uncertain significance (2). Last evaluated 2025-09-19.

Conditions:
TTN-related disorder. Also called: TTN-related condition; TTN-related disease; TTN-related disorders.

gnomAD v4.1: 11 of 1,547,898 alleles (0.00071%); highest among the groups gnomAD compares: Admixed American, 0.0039%; no homozygotes.

Submissions (2):

Dasa
Classification: Uncertain significance. Last evaluated: 2025-09-19. Review status: criteria provided, single submitter. Criteria: DASA Assertion Criteria. Collection method: clinical testing. Allele origin: germline.
Comment: NM_001267550.2(TTN):c.40261G>A (p.Glu13421Lys) is a missense variant that results in the substitution of glutamic acid with lysine. This variant is rare in population databases. Computational prediction algorithms are consistent with a benign effect. The currently available literature and clinical evidence are not sufficient to establish a definitive association between this variant and the reported condition. Therefore, this variant is classified as a variant of uncertain significance.

PreventionGenetics, part of Exact Sciences
Classification: Uncertain significance for TTN-related condition. Last evaluated: 2025-05-12. Review status: criteria provided, single submitter. Criteria: ACMG Guidelines, 2015. Collection method: clinical testing. Allele origin: germline.
Comment: The TTN c.40261G>A variant is predicted to result in the amino acid substitution p.Glu13421Lys. To our knowledge, this variant has not been reported in the literature. This variant is reported in 0.0041% of alleles in individuals of Latino descent in gnomAD. At this time, the clinical significance of this variant is uncertain due to the absence of conclusive functional and genetic evidence.

NM_001267550.2(TTN):c.40261G>A (p.Glu13421Lys)

Gene: TTN (titin; minus strand). Cytogenetic location: 2q31.2.
Variant type: single nucleotide variant.
Coding change: c.40261G>A on transcript NM_001267550.2 (MANE Select); coding-DNA position 40261, G replaced by A.
Protein change: p.Glu13421Lys; replaces glutamic acid 13421 with lysine.
Molecular consequence: missense variant. On other transcripts: intron variant (5).
Genome position (GRCh38, 1-based): chr2:178,646,521, C>T on the plus strand (G>A on the coding strand, the complement: TTN is on the minus strand). VCF-style: chr2-178646521-C-T. GRCh37 (hg19) VCF-style: chr2-179511248-C-T.
Other names: c.13283-4204G>A (NM_003319.4); c.13859-4204G>A (NM_133437.4); c.13658-4204G>A (NM_133432.3); c.32594-491G>A (NM_133378.4); c.35375-491G>A (NM_001256850.1); short protein forms E13421K.
Identifiers: ClinVar variation 4885384 (VCV004885384.3).